The following is an entry in ClinVar:

ClinVar aggregate classification (germline): Uncertain significance (1 of 4 stars; one submission).

Conditions:
Primary ciliary dyskinesia 28. Also called: CILIARY DYSKINESIA, PRIMARY, 28, WITH OR WITHOUT SITUS INVERSUS. Identifiers: Orphanet 244, MedGen C3809706, MONDO:0014216, OMIM 615505.

Allele frequency attached by ClinVar (database versions not stated): ExAC 0.00001; gnomAD 0.00001; gnomAD exomes 0.00001; TOPMed 0.00001.
gnomAD v4.1: 9 of 1,591,968 alleles (0.00057%); highest among the groups gnomAD compares: Non-Finnish European, 0.00077%; no homozygotes.

Submission:

Labcorp Genetics (formerly Invitae), Labcorp
Classification: Uncertain significance for Primary ciliary dyskinesia 28. Last evaluated: 2022-12-25. Review status: criteria provided, single submitter. Criteria: Invitae Variant Classification Sherloc (09022015). Collection method: clinical testing. Allele origin: germline.
Comment: This sequence change replaces leucine, which is neutral and non-polar, with isoleucine, which is neutral and non-polar, at codon 738 of the SPAG1 protein (p.Leu738Ile). In summary, the available evidence is currently insufficient to determine the role of this variant in disease. Therefore, it has been classified as a Variant of Uncertain Significance. Advanced modeling of protein sequence and biophysical properties (such as structural, functional, and spatial information, amino acid conservation, physicochemical variation, residue mobility, and thermodynamic stability) performed at Invitae indicates that this missense variant is expected to disrupt SPAG1 protein function. ClinVar contains an entry for this variant (Variation ID: 945788). This variant has not been reported in the literature in individuals affected with SPAG1-related conditions. This variant is present in population databases (rs768030549, gnomAD 0.002%).

NM_003114.5(SPAG1):c.2212C>A (p.Leu738Ile)

Gene: SPAG1 (sperm associated antigen 1; plus strand). Cytogenetic location: 8q22.2.
Variant type: single nucleotide variant.
Coding change: c.2212C>A on transcript NM_003114.5 (MANE Select); coding-DNA position 2212, C replaced by A.
Protein change: p.Leu738Ile; replaces leucine 738 with isoleucine.
Molecular consequence: missense variant.
Genome position (GRCh38, 1-based): chr8:100,239,336, C>A. VCF-style: chr8-100239336-C-A. GRCh37 (hg19) VCF-style: chr8-101251564-C-A.
Other names: c.2212C>A, p.Leu738Ile (NM_001374321.1, NM_172218.3); short protein forms L738I.
Identifiers: ClinVar variation 945788 (VCV000945788.9), dbSNP rs768030549, ClinGen allele CA4827694.